The following is an entry in ClinVar:

ClinVar aggregate classification (germline): Uncertain significance (1 of 4 stars; one submission).

Submission:

Labcorp Genetics (formerly Invitae), Labcorp
Classification: Uncertain significance. Last evaluated: 2023-12-11. Review status: criteria provided, single submitter. Criteria: Invitae Variant Classification Sherloc (09022015). Collection method: clinical testing. Allele origin: germline.
Comment: This variant, c.358_366dup, results in the insertion of 3 amino acid(s) of the ADAMTS17 protein (p.Arg120_Ala122dup), but otherwise preserves the integrity of the reading frame. This variant is present in population databases (no rsID available, gnomAD 0.06%). This variant has not been reported in the literature in individuals affected with ADAMTS17-related conditions. Experimental studies and prediction algorithms are not available or were not evaluated, and the functional significance of this variant is currently unknown. In summary, the available evidence is currently insufficient to determine the role of this variant in disease. Therefore, it has been classified as a Variant of Uncertain Significance.

NM_139057.4(ADAMTS17):c.358_366dup (p.Ala122_Glu123insArgProAla)

Gene: ADAMTS17 (ADAM metallopeptidase with thrombospondin type 1 motif 17; minus strand). Cytogenetic location: 15q26.3.
Variant type: Duplication.
Coding change: c.358_366dup on transcript NM_139057.4 (MANE Select); coding-DNA positions 358 to 366, 9 bases duplicated (CGCCCCGCC; older notation c.358_366dupCGCCCCGCC).
Protein change: p.Ala122_Glu123insArgProAla.
Molecular consequence: inframe insertion.
Genome position (GRCh38, 1-based): chr15:100,341,123-100,341,131, GGCGGGGCG duplicated on the plus strand (CGCCCCGCC on the coding strand, the reverse complement: ADAMTS17 is on the minus strand); duplicating any 9 consecutive bases within chr15:100,341,123-100,341,132 gives the same sequence; the c. name uses the placement nearest the transcript's 3' end. VCF-style (leftmost placement, unchanged base first): chr15-100341122-C-CGGCGGGGCG. GRCh37 (hg19) VCF-style: chr15-100881327-C-CGGCGGGGCG.
Identifiers: ClinVar variation 2906139 (VCV002906139.1), dbSNP rs1290287189, ClinGen allele CA492686654.